The following is an entry in ClinVar:

ClinVar aggregate classification (germline): Uncertain significance (1 of 4 stars; one submission).

Conditions:
Loeys-Dietz syndrome 2 (LDS2). Also called: AORTIC ANEURYSM, FAMILIAL THORACIC 3; MARFAN SYNDROME, TYPE II; Marfan Syndrome type 2; Marfan like connective tissue disorder; MFS 2; TGFBR2-Related Loeys-Dietz Syndrome. Identifiers: Orphanet 284973, Orphanet 558, MedGen C2674574, MONDO:0012427, OMIM 610168.

Submission:

Labcorp Genetics (formerly Invitae), Labcorp
Classification: Uncertain significance for Loeys-Dietz syndrome 2. Last evaluated: 2026-01-12. Review status: criteria provided, single submitter. Criteria: Invitae Variant Classification Sherloc (09022015). Collection method: clinical testing. Allele origin: germline.
Comment: This sequence change replaces alanine, which is neutral and non-polar, with valine, which is neutral and non-polar, at codon 271 of the TMPO protein (p.Ala271Val). This variant is not present in population databases (gnomAD no frequency). This variant has not been reported in the literature in individuals affected with TMPO-related conditions. ClinVar contains an entry for this variant (Variation ID: 3621754). Invitae Evidence Modeling of protein sequence and biophysical properties (such as structural, functional, and spatial information, amino acid conservation, physicochemical variation, residue mobility, and thermodynamic stability) indicates that this missense variant is not expected to disrupt TMPO protein function with a negative predictive value of 80%. In summary, the available evidence is currently insufficient to determine the role of this variant in disease. Therefore, it has been classified as a Variant of Uncertain Significance.

NM_001032283.3(TMPO):c.565+1231C>T

Gene: TMPO (thymopoietin; plus strand). Cytogenetic location: 12q23.1.
Variant type: single nucleotide variant.
Coding change: c.565+1231C>T on transcript NM_001032283.3 (MANE Select); 1231 bases into the intron after coding-DNA position 565, C replaced by T.
Molecular consequence: intron variant. On other transcripts: missense variant (1).
Genome position (GRCh38, 1-based): chr12:98,533,069, C>T. VCF-style: chr12-98533069-C-T. GRCh37 (hg19) VCF-style: chr12-98926847-C-T.
Other names: c.812C>T, p.Ala271Val (NM_003276.2); c.565+1231C>T (NM_001307975.2, NM_001032284.3); short protein forms A271V.
Identifiers: ClinVar variation 3621754 (VCV003621754.2).